The following is an entry in ClinVar:

NM_006031.6(PCNT):c.4641_4658del (p.Ile1548_Ala1553del)

Gene: PCNT (pericentrin; plus strand). Cytogenetic location: 21q22.3.
Variant type: Deletion.
Coding change: c.4641_4658del on transcript NM_006031.6 (MANE Select); coding-DNA positions 4641 to 4658, 18 bases deleted (TATACAGAAAGAGTCGGC).
Protein change: p.Ile1548_Ala1553del.
Molecular consequence: inframe deletion.
Genome position (GRCh38, 1-based): chr21:46,399,646-46,399,663, TATACAGAAAGAGTCGGC deleted; deleting any 18 consecutive bases within chr21:46,399,643-46,399,663 gives the same sequence; the c. name uses the placement nearest the transcript's 3' end. VCF-style (leftmost placement, unchanged base first): chr21-46399642-TGGCTATACAGAAAGAGTC-T. GRCh37 (hg19) VCF-style: chr21-47819556-TGGCTATACAGAAAGAGTC-T.
Other names: c.4287_4304del, p.Ile1430_Ala1435del (NM_001315529.2).
Identifiers: ClinVar variation 4996954 (VCV004996954.1).

ClinVar aggregate classification (germline): Uncertain significance (1 of 4 stars; one submission).

Conditions:
PCNT-related disorder. Also called: PCNT-related condition.

Submission:

PreventionGenetics, part of Exact Sciences
Classification: Uncertain significance for PCNT-related condition. Last evaluated: 2025-04-10. Review status: criteria provided, single submitter. Criteria: ACMG Guidelines, 2015. Collection method: clinical testing. Allele origin: germline.
Comment: The PCNT c.4641_4658del18 variant is predicted to result in an in-frame deletion (p.Ile1548_Ala1553del). To our knowledge, this variant has not been reported in the literature. This variant is reported in 0.012% of alleles in individuals of Latino descent in gnomAD. At this time, the clinical significance of this variant is uncertain due to the absence of conclusive functional and genetic evidence.